The following is an entry in ClinVar:

NM_020297.4(ABCC9):c.2512C>T (p.Pro838Ser)

Gene: ABCC9 (ATP binding cassette subfamily C member 9; minus strand). Cytogenetic location: 12p12.1.
Variant type: single nucleotide variant.
Coding change: c.2512C>T on transcript NM_020297.4 (MANE Select); coding-DNA position 2512, C replaced by T.
Protein change: p.Pro838Ser; replaces proline 838 with serine.
Molecular consequence: missense variant.
Genome position (GRCh38, 1-based): chr12:21,852,499, G>A on the plus strand (C>T on the coding strand, the complement: ABCC9 is on the minus strand). VCF-style: chr12-21852499-G-A. GRCh37 (hg19) VCF-style: chr12-22005433-G-A.
Other names: c.2512C>T, p.Pro838Ser (NM_001377273.1, NM_005691.4); c.1645C>T, p.Pro549Ser (NM_001377274.1); short protein forms P838S, P549S.
Identifiers: ClinVar variation 2703926 (VCV002703926.3), dbSNP rs2541137888, ClinGen allele CA384125850.

ClinVar aggregate classification (germline): Uncertain significance (1 of 4 stars; one submission).

Conditions:
Dilated cardiomyopathy 1O (CMD1O). Also called: CARDIOMYOPATHY, DILATED, WITH VENTRICULAR TACHYCARDIA. Identifiers: Orphanet 154, MedGen C1837839, MONDO:0012062, OMIM 608569.

Submission:

Labcorp Genetics (formerly Invitae), Labcorp
Classification: Uncertain significance for Dilated cardiomyopathy 1O. Last evaluated: 2023-12-27. Review status: criteria provided, single submitter. Criteria: Invitae Variant Classification Sherloc (09022015). Collection method: clinical testing. Allele origin: germline.
Comment: This sequence change replaces proline, which is neutral and non-polar, with serine, which is neutral and polar, at codon 838 of the ABCC9 protein (p.Pro838Ser). This variant is not present in population databases (gnomAD no frequency). This variant has not been reported in the literature in individuals affected with ABCC9-related conditions. Advanced modeling of protein sequence and biophysical properties (such as structural, functional, and spatial information, amino acid conservation, physicochemical variation, residue mobility, and thermodynamic stability) performed at Invitae indicates that this missense variant is expected to disrupt ABCC9 protein function with a positive predictive value of 95%. In summary, the available evidence is currently insufficient to determine the role of this variant in disease. Therefore, it has been classified as a Variant of Uncertain Significance.